The following is an entry in ClinVar:

NM_015192.4(PLCB1):c.2874C>A (p.Asp958Glu)

Gene: PLCB1 (phospholipase C beta 1; plus strand). Cytogenetic location: 20p12.3.
Variant type: single nucleotide variant.
Coding change: c.2874C>A on transcript NM_015192.4 (MANE Select); coding-DNA position 2874, C replaced by A.
Protein change: p.Asp958Glu; replaces aspartic acid 958 with glutamic acid.
Molecular consequence: missense variant.
Genome position (GRCh38, 1-based): chr20:8,765,302, C>A. VCF-style: chr20-8765302-C-A. GRCh37 (hg19) VCF-style: chr20-8745949-C-A.
Other names: c.2874C>A, p.Asp958Glu (NM_182734.3); short protein forms D958E.
Identifiers: ClinVar variation 4531040 (VCV004531040.1).

ClinVar aggregate classification (germline): Uncertain significance (1 of 4 stars; one submission).

Submission:

GeneDx
Classification: Uncertain significance. Last evaluated: 2025-05-21. Review status: criteria provided, single submitter. Criteria: GeneDx Variant Classification Process June 2021. Collection method: clinical testing. Allele origin: germline. Affected: yes.
Comment: Not observed at significant frequency in large population cohorts (gnomAD); In silico analysis suggests that this missense variant does not alter protein structure/function; Has not been previously published as pathogenic or benign to our knowledge